The following is an entry in ClinVar:

NM_000038.6(APC):c.5474A>G (p.Asp1825Gly)

Gene: APC (APC regulator of Wnt signaling pathway; plus strand). Cytogenetic location: 5q22.2.
Variant type: single nucleotide variant.
Coding change: c.5474A>G on transcript NM_000038.6 (MANE Select); coding-DNA position 5474, A replaced by G.
Protein change: p.Asp1825Gly; replaces aspartic acid 1825 with glycine.
Molecular consequence: missense variant.
Genome position (GRCh38, 1-based): chr5:112,841,068, A>G. VCF-style: chr5-112841068-A-G. GRCh37 (hg19) VCF-style: chr5-112176765-A-G.
Other names: c.5474A>G, p.Asp1825Gly (NM_001127510.3, NM_001354895.2); c.5420A>G, p.Asp1807Gly (NM_001127511.3); c.5528A>G, p.Asp1843Gly (NM_001354896.2); c.5504A>G, p.Asp1835Gly (NM_001354897.2); c.5399A>G, p.Asp1800Gly (NM_001354898.2); c.5390A>G, p.Asp1797Gly (NM_001354899.2); c.5351A>G, p.Asp1784Gly (NM_001354900.2); c.5297A>G, p.Asp1766Gly (NM_001354901.2); and 5 more; short protein forms D1807G, D1825G, D1542G, D1699G, D1734G, D1784G, D1797G, D1835G.
Identifiers: ClinVar variation 487043 (VCV000487043.12), dbSNP rs1554086747, ClinGen allele CA16033308.
Genomic context (GRCh38, chr5:112,841,068, plus strand): 5'-TCTCAGACAACAAAGATTCAAAGAAACAGAATTTGAAAAATAATTCCAAGGTCTTCAATG[A>G]TAAGCTCCCAAATAATGAAGATAGAGTCAGAGGAAGTTTTGCTTTTGATTCACCTCATCA-3'
Protein context (NP_000029.2, residues 1815-1835): NLKNNSKVFN[Asp1825Gly]KLPNNEDRVR

ClinVar aggregate classification (germline): Uncertain significance. Review status: criteria provided, multiple submitters, no conflicts (2 of 4 stars). 2 submissions from 2 submitters: Uncertain significance (2). Last evaluated 2026-01-25.

Conditions:
Hereditary cancer-predisposing syndrome. Also called: Tumor predisposition; Hereditary Cancer Syndrome; Hereditary neoplastic syndrome; Neoplastic Syndromes, Hereditary. Identifiers: Orphanet 140162, MedGen C0027672, MeSH D009386, MONDO:0015356.
Familial adenomatous polyposis 1 (FAP1). Also called: FAMILIAL ADENOMATOUS POLYPOSIS 1, ATTENUATED; POLYPOSIS, ADENOMATOUS INTESTINAL. Identifiers: MedGen C2713442, MONDO:0021056, OMIM 175100. Disease mechanism: loss of function.

Allele frequency attached by ClinVar (database versions not stated): gnomAD below 0.00001 and 0.00001; TOPMed below 0.00001.
gnomAD v4.1: 2 of 1,612,504 alleles (0.00012%); highest among the groups gnomAD compares: South Asian, 0.0011%; no homozygotes.

Submissions (2):

Labcorp Genetics (formerly Invitae), Labcorp
Classification: Uncertain significance for Familial adenomatous polyposis 1. Last evaluated: 2026-01-25. Review status: criteria provided, single submitter. Criteria: Invitae Variant Classification Sherloc (09022015). Collection method: clinical testing. Allele origin: germline.
Comment: This sequence change replaces aspartic acid, which is acidic and polar, with glycine, which is neutral and non-polar, at codon 1825 of the APC protein (p.Asp1825Gly). This variant is not present in population databases (gnomAD no frequency). This variant has not been reported in the literature in individuals affected with APC-related conditions. ClinVar contains an entry for this variant (Variation ID: 487043). Invitae Evidence Modeling of protein sequence and biophysical properties (such as structural, functional, and spatial information, amino acid conservation, physicochemical variation, residue mobility, and thermodynamic stability) indicates that this missense variant is not expected to disrupt APC protein function with a negative predictive value of 95%. In summary, the available evidence is currently insufficient to determine the role of this variant in disease. Therefore, it has been classified as a Variant of Uncertain Significance.

Ambry Genetics
Classification: Uncertain significance for Hereditary cancer-predisposing syndrome. Last evaluated: 2021-11-09. Review status: criteria provided, single submitter. Criteria: Ambry Variant Classification Scheme 2023. Collection method: clinical testing. Allele origin: germline.
Comment: The p.D1825G variant (also known as c.5474A>G), located in coding exon 15 of the APC gene, results from an A to G substitution at nucleotide position 5474. The aspartic acid at codon 1825 is replaced by glycine, an amino acid with similar properties. This amino acid position is not well conserved in available vertebrate species. In addition, in silico predictors for this gene do not accurately predict pathogenicity. Since supporting evidence is limited at this time, the clinical significance of this alteration remains unclear.